The following is an entry in ClinVar:

NM_003489.4(NRIP1):c.1934T>C (p.Val645Ala)

Gene: NRIP1 (nuclear receptor interacting protein 1; minus strand). Cytogenetic location: 21q11.2.
Variant type: single nucleotide variant.
Coding change: c.1934T>C on transcript NM_003489.4 (MANE Select); coding-DNA position 1934, T replaced by C.
Protein change: p.Val645Ala; replaces valine 645 with alanine.
Molecular consequence: missense variant.
Genome position (GRCh38, 1-based): chr21:14,966,259, A>G on the plus strand (T>C on the coding strand, the complement: NRIP1 is on the minus strand). VCF-style: chr21-14966259-A-G. GRCh37 (hg19) VCF-style: chr21-16338580-A-G.
Other names: short protein forms V645A.
Identifiers: ClinVar variation 3618059 (VCV003618059.2).

ClinVar aggregate classification (germline): Uncertain significance (1 of 4 stars; one submission).

gnomAD v4.1: 5 of 1,613,920 alleles (0.00031%); highest among the groups gnomAD compares: Admixed American, 0.005%; no homozygotes.

Submission:

Labcorp Genetics (formerly Invitae), Labcorp
Classification: Uncertain significance. Last evaluated: 2024-03-16. Review status: criteria provided, single submitter. Criteria: Invitae Variant Classification Sherloc (09022015). Collection method: clinical testing. Allele origin: germline.
Comment: This sequence change replaces valine, which is neutral and non-polar, with alanine, which is neutral and non-polar, at codon 645 of the NRIP1 protein (p.Val645Ala). This variant is not present in population databases (gnomAD no frequency). This variant has not been reported in the literature in individuals affected with NRIP1-related conditions. Algorithms developed to predict the effect of missense changes on protein structure and function output the following: SIFT: "Not Available"; PolyPhen-2: "Benign"; Align-GVGD: "Not Available". The alanine amino acid residue is found in multiple mammalian species, which suggests that this missense change does not adversely affect protein function. In summary, the available evidence is currently insufficient to determine the role of this variant in disease. Therefore, it has been classified as a Variant of Uncertain Significance.